The following is an entry in ClinVar:

ClinVar aggregate classification (germline): Pathogenic/Likely pathogenic. Review status: criteria provided, multiple submitters, no conflicts (2 of 4 stars). 4 submissions from 4 submitters: Pathogenic (2); Likely pathogenic (2). Last evaluated 2024-06-13.

Conditions:
Retinitis pigmentosa 28 (RP28). Identifiers: Orphanet 791, MedGen C1419614, MONDO:0011630, OMIM 606068.

gnomAD v4.1: 5 of 1,614,196 alleles (0.00031%); highest among the groups gnomAD compares: Admixed American, 0.0017%; no homozygotes.

Submissions (4):

Fulgent Genetics
Classification: Pathogenic for Retinitis pigmentosa 28. Last evaluated: 2024-06-13. Review status: criteria provided, single submitter. Criteria: ACMG Guidelines, 2015. Collection method: clinical testing. Allele origin: germline.

Natera, Inc.
Classification: Likely pathogenic for Retinitis pigmentosa type 28. Last evaluated: 2024-02-28. Review status: criteria provided, single submitter. Criteria: Natera Variant Classification Schema (03/2026). Collection method: clinical testing. Allele origin: germline.
Comment: The c.1138C>T variant in FAM161A is a nonsense variant predicted to introduce a stop codon at amino acid 380. This variant is expected to result in nonsense mediated decay, truncation, or a dysfunctional protein product. This variant is rare in the general population with a frequency below the threshold expected for the associated phenotype(s). Given the available evidence, this variant is classified as Likely Pathogenic.

Baylor Genetics
Classification: Likely pathogenic for Retinitis pigmentosa 28. Last evaluated: 2024-02-20. Review status: criteria provided, single submitter. Criteria: ACMG Guidelines, 2015. Collection method: clinical testing. Allele origin: unknown.

Labcorp Genetics (formerly Invitae), Labcorp
Classification: Pathogenic. Last evaluated: 2023-09-27. Review status: criteria provided, single submitter. Criteria: Invitae Variant Classification Sherloc (09022015). Collection method: clinical testing. Allele origin: germline.
Comment: For these reasons, this variant has been classified as Pathogenic. This sequence change creates a premature translational stop signal (p.Arg380*) in the FAM161A gene. It is expected to result in an absent or disrupted protein product. Loss-of-function variants in FAM161A are known to be pathogenic (PMID: 20705278, 20705279, 24651477). This variant is present in population databases (no rsID available, gnomAD 0.004%). This variant has not been reported in the literature in individuals affected with FAM161A-related conditions.

Literature cited by the submitters: PubMed 20705278 (cited by Labcorp Genetics (formerly Invitae), Labcorp); PubMed 20705279 (cited by Labcorp Genetics (formerly Invitae), Labcorp); PubMed 24651477 (cited by Labcorp Genetics (formerly Invitae), Labcorp).

NM_001201543.2(FAM161A):c.1138C>T (p.Arg380Ter)

Gene: FAM161A (FAM161 centrosomal protein A; minus strand). Cytogenetic location: 2p15.
Variant type: single nucleotide variant.
Coding change: c.1138C>T on transcript NM_001201543.2 (MANE Select); coding-DNA position 1138, C replaced by T.
Protein change: p.Arg380Ter; replaces arginine 380 with a stop codon.
Molecular consequence: nonsense. On other transcripts: non-coding transcript variant (1).
Genome position (GRCh38, 1-based): chr2:61,839,866, G>A on the plus strand (C>T on the coding strand, the complement: FAM161A is on the minus strand). VCF-style: chr2-61839866-G-A. GRCh37 (hg19) VCF-style: chr2-62067001-G-A.
Other names: c.1138C>T (NM_001201543.1); c.1138C>T, p.Arg380Ter (NM_032180.3); short protein forms R380*.
Identifiers: ClinVar variation 2998522 (VCV002998522.4), dbSNP rs764845483, ClinGen allele CA346987305.
Genomic context (GRCh38, chr2:61,839,866, plus strand): 5'-AAGGCAGAGGAGATGAGTTCTGTAAATGCTCCTGGGCTCTCAGCTGTGTCCTAAGGTTTC[G>A]ATAGAGCTCTTCTTCTTTTAACTTGTCATTGGTAGTTGAACCATAAGTAGATCGAGGAAT-3'